The following is an entry in ClinVar:

NM_001457.4(FLNB):c.542-3C>T

Gene: FLNB (filamin B; plus strand). Cytogenetic location: 3p14.3.
Variant type: single nucleotide variant.
Coding change: c.542-3C>T on transcript NM_001457.4 (MANE Select); 3 bases into the intron before coding-DNA position 542, C replaced by T.
Molecular consequence: intron variant.
Genome position (GRCh38, 1-based): chr3:58,078,714, C>T. VCF-style: chr3-58078714-C-T. GRCh37 (hg19) VCF-style: chr3-58064441-C-T.
Other names: c.542-3C>T (NM_001164317.2, NM_001164318.2, NM_001164319.2).
Identifiers: ClinVar variation 2906072 (VCV002906072.2), dbSNP rs919514645, ClinGen allele CA75428415.

ClinVar aggregate classification (germline): Uncertain significance (1 of 4 stars; one submission).

Allele frequency attached by ClinVar (database versions not stated): gnomAD exomes below 0.00001; gnomAD 0.00001; TOPMed 0.00003.
gnomAD v4.1: 6 of 1,612,666 alleles (0.00037%); highest among the groups gnomAD compares: African/African-American, 0.0067%; no homozygotes.

Submission:

Labcorp Genetics (formerly Invitae), Labcorp
Classification: Uncertain significance. Last evaluated: 2023-11-18. Review status: criteria provided, single submitter. Criteria: Invitae Variant Classification Sherloc (09022015). Collection method: clinical testing. Allele origin: germline.
Comment: This sequence change falls in intron 2 of the FLNB gene. It does not directly change the encoded amino acid sequence of the FLNB protein. It affects a nucleotide within the consensus splice site. The frequency data for this variant in the population databases is considered unreliable, as metrics indicate poor data quality at this position in the gnomAD database. This variant has not been reported in the literature in individuals affected with FLNB-related conditions. Variants that disrupt the consensus splice site are a relatively common cause of aberrant splicing (PMID: 17576681, 9536098). Algorithms developed to predict the effect of sequence changes on RNA splicing suggest that this variant is not likely to affect RNA splicing. In summary, the available evidence is currently insufficient to determine the role of this variant in disease. Therefore, it has been classified as a Variant of Uncertain Significance.

Literature cited by the submitters: PubMed 17576681; PubMed 9536098.